The following is an entry in ClinVar:

NM_003872.3(NRP2):c.1641+8G>A

Gene: NRP2 (neuropilin 2; plus strand). Cytogenetic location: 2q33.3.
Variant type: single nucleotide variant.
Coding change: c.1641+8G>A on transcript NM_003872.3 (MANE Select); 8 bases into the intron after coding-DNA position 1641, G replaced by A.
Molecular consequence: intron variant. On other transcripts: missense variant (1).
Genome position (GRCh38, 1-based): chr2:205,743,560, G>A. VCF-style: chr2-205743560-G-A. GRCh37 (hg19) VCF-style: chr2-206608284-G-A.
Other names: c.1649G>A, p.Cys550Tyr (NM_201264.2); c.1641+8G>A (NM_201266.2, NM_201279.2, NM_018534.4 and 1 more transcripts); short protein forms C550Y.
Identifiers: ClinVar variation 4987299 (VCV004987299.1).

ClinVar aggregate classification (germline): Uncertain significance (1 of 4 stars; one submission).

Conditions:
NRP2-related disorder. Also called: NRP2-related condition.

gnomAD v4.1: 1 of 1,613,916 alleles (0.000062%); highest among the groups gnomAD compares: Non-Finnish European, 0.000085%; no homozygotes.

Submission:

PreventionGenetics, part of Exact Sciences
Classification: Uncertain significance for NRP2-related condition. Last evaluated: 2024-11-26. Review status: criteria provided, single submitter. Criteria: ACMG Guidelines, 2015. Collection method: clinical testing. Allele origin: germline.
Comment: The NRP2 c.1649G>A variant is predicted to result in the amino acid substitution p.Cys550Tyr. To our knowledge, this variant has not been reported in the literature or in a large population database (gnomAD), indicating this variant is rare. At this time, the clinical significance of this variant is uncertain due to the absence of conclusive functional and genetic evidence.